The following is an entry in ClinVar:

NM_001005242.3(PKP2):c.2261_2269del (p.Thr754_Asn756del)

Gene: PKP2 (plakophilin 2; minus strand). Cytogenetic location: 12p11.21.
Variant type: Deletion.
Coding change: c.2261_2269del on transcript NM_001005242.3 (MANE Select); coding-DNA positions 2261 to 2269, 9 bases deleted (CATTGAACA; older notation c.2261_2269delCATTGAACA).
Protein change: p.Thr754_Asn756del.
Molecular consequence: inframe deletion.
Genome position (GRCh38, 1-based): chr12:32,796,197-32,796,205, TGTTCAATG deleted on the plus strand (CATTGAACA on the coding strand, the reverse complement: PKP2 is on the minus strand); deleting any 9 consecutive bases within chr12:32,796,197-32,796,208 gives the same sequence; the c. name uses the placement nearest the transcript's 3' end. VCF-style (leftmost placement, unchanged base first): chr12-32796196-TTGTTCAATG-T. GRCh37 (hg19) VCF-style: chr12-32949130-TTGTTCAATG-T.
Other names: c.2393_2401delCATTGAACA (NM_004572.3); c.2393_2401del, p.Thr798_Asn800del (NM_004572.4).
Identifiers: ClinVar variation 970859 (VCV000970859.11), dbSNP rs1270283587, ClinGen allele CA687430924.
Genomic context (GRCh38, chr12:32,796,196, plus strand): 5'-TTCTGGATGCCCCCGGTGTTTAGAAGGTCGCGTGCATTCTGGTAACTGTTTTGGATTATG[TTGTTCAATG>T]TGTAACAGGCAGAGGCTGTAGTTTCAATGAGAAGGTCAGTACTCGGGACTGTGTCAGGAA-3'

ClinVar aggregate classification (germline): Conflicting classifications of pathogenicity. Review status: criteria provided, conflicting classifications (1 of 4 stars). 3 submissions from 3 submitters: Likely pathogenic (1); Uncertain significance (2). Last evaluated 2025-01-26.

Conditions:
Left ventricular noncompaction cardiomyopathy. Also called: left ventricular non-compaction cardiomyopathy. Identifiers: MedGen C4021133, HP:0011664.
Arrhythmogenic right ventricular dysplasia 9 (ARVD9). Also called: Arrhythmogenic Right Ventricular Dysplasia/Cardiomyopathy 9; ARRHYTHMOGENIC RIGHT VENTRICULAR DYSPLASIA, FAMILIAL, 9. Identifiers: MedGen C1836906, MONDO:0012180, OMIM 609040.

Submissions (3):

Labcorp Genetics (formerly Invitae), Labcorp
Classification: Uncertain significance for Arrhythmogenic right ventricular dysplasia 9. Last evaluated: 2025-01-26. Review status: criteria provided, single submitter. Criteria: Invitae Variant Classification Sherloc (09022015). Collection method: clinical testing. Allele origin: germline.
Comment: This variant, c.2393_2401del, results in the deletion of 3 amino acid(s) of the PKP2 protein (p.Thr798_Asn800del), but otherwise preserves the integrity of the reading frame. This variant is not present in population databases (gnomAD no frequency). This variant has been observed in individual(s) with clinical features of arrhythmogenic right ventricular cardiomyopathy (PMID: 15489853, 34540771). ClinVar contains an entry for this variant (Variation ID: 970859). Experimental studies and prediction algorithms are not available or were not evaluated, and the functional significance of this variant is currently unknown. In summary, the available evidence is currently insufficient to determine the role of this variant in disease. Therefore, it has been classified as a Variant of Uncertain Significance.

GeneDx
Classification: Uncertain significance. Last evaluated: 2024-04-26. Review status: criteria provided, single submitter. Criteria: GeneDx Variant Classification Process June 2021. Collection method: clinical testing. Allele origin: germline. Affected: yes.
Comment: Not observed at significant frequency in large population cohorts (gnomAD); In-frame deletion of 3 amino acids in a non-repeat region; This variant is associated with the following publications: (PMID: 34540771, 15489853, 31402444)

Klaassen Lab, Charite University Medicine Berlin
Classification: Likely pathogenic for Left ventricular noncompaction cardiomyopathy. Review status: criteria provided, single submitter. Criteria: ACMG Guidelines, 2015. Collection method: research. Allele origin: germline. Affected: yes.

Literature cited by the submitters: PubMed 15489853 (cited by Labcorp Genetics (formerly Invitae), Labcorp); PubMed 34540771 (cited by Labcorp Genetics (formerly Invitae), Labcorp and Klaassen Lab, Charite University Medicine Berlin).